The following is an entry in ClinVar:

ClinVar aggregate classification (germline): Uncertain significance. Review status: criteria provided, multiple submitters, no conflicts (2 of 4 stars). 3 submissions from 3 submitters: Uncertain significance (2). 1 of the submissions does not count toward it. Last evaluated 2025-03-01.

Conditions:
Retinitis pigmentosa 59 (RP59). Identifiers: Orphanet 791, MedGen C3151227, MONDO:0013468, OMIM 613861.

Allele frequency attached by ClinVar (database versions not stated): gnomAD exomes 0.00001 and 0.00003; ExAC 0.00002; TOPMed 0.00003; gnomAD 0.00005; ESP Exome Variant Server 0.00008.
gnomAD v4.1: 53 of 1,613,590 alleles (0.0033%); highest among the groups gnomAD compares: Non-Finnish European, 0.0042%; no homozygotes.

Submissions (3):

Labcorp Genetics (formerly Invitae), Labcorp
Classification: Uncertain significance for Retinitis pigmentosa 59. Last evaluated: 2025-03-01. Review status: criteria provided, single submitter. Criteria: Invitae Variant Classification Sherloc (09022015). Collection method: clinical testing. Allele origin: germline.
Comment: This sequence change replaces alanine, which is neutral and non-polar, with valine, which is neutral and non-polar, at codon 22 of the DHDDS protein (p.Ala22Val). This variant is present in population databases (rs372070142, gnomAD 0.008%). This variant has not been reported in the literature in individuals affected with DHDDS-related conditions. ClinVar contains an entry for this variant (Variation ID: 1005856). An algorithm developed to predict the effect of missense changes on protein structure and function outputs the following: PolyPhen-2: "Benign". The valine amino acid residue is found in multiple mammalian species, which suggests that this missense change does not adversely affect protein function. In summary, the available evidence is currently insufficient to determine the role of this variant in disease. Therefore, it has been classified as a Variant of Uncertain Significance.

Blueprint Genetics
Classification: Uncertain significance. Last evaluated: 2022-10-20. Review status: criteria provided, single submitter. Criteria: ACMG Guidelines, 2015. Collection method: clinical testing. Allele origin: germline.

Natera, Inc.
Classification: Uncertain significance for Retinitis pigmentosa type 59. Last evaluated: 2020-02-13. Review status: no assertion criteria provided. Collection method: clinical testing. Allele origin: germline. Not counted in ClinVar's aggregate classification.

NM_205861.3(DHDDS):c.65C>T (p.Ala22Val)

Gene: DHDDS (dehydrodolichyl diphosphate synthase subunit; plus strand). Cytogenetic location: 1p36.11.
Variant type: single nucleotide variant.
Coding change: c.65C>T on transcript NM_205861.3 (MANE Select); coding-DNA position 65, C replaced by T.
Protein change: p.Ala22Val; replaces alanine 22 with valine.
Molecular consequence: missense variant. On other transcripts: 5 prime UTR variant (1).
Genome position (GRCh38, 1-based): chr1:26,438,169, C>T. VCF-style: chr1-26438169-C-T. GRCh37 (hg19) VCF-style: chr1-26764660-C-T.
Other names: c.65C>T, p.Ala22Val (NM_001243564.2, NM_001243565.2, NM_024887.4); c.-238C>T (NM_001319959.2); short protein forms A22V.
Identifiers: ClinVar variation 1005856 (VCV001005856.10), dbSNP rs372070142, ClinGen allele CA705240.
Genomic context (GRCh38, chr1:26,438,169, plus strand): 5'-TCTTCCTTTATCCCTGAAGAATATGAGACCTGTTCATCATTTGTCTTCCTATTCCACAGG[C>T]AGGCCCAATGCCGAAACACATTGCATTCATAATGGACGGGAACCGTCGCTATGCCAAGAA-3'
Protein context (NP_995583.1, residues 12-32): WERFCANIIK[Ala22Val]GPMPKHIAFI